The following is an entry in ClinVar:

ClinVar aggregate classification (germline): Uncertain significance (1 of 4 stars; one submission).

Conditions:
Dilated cardiomyopathy 1J (CMD1J). Also called: CARDIOMYOPATHY, DILATED, WITH SENSORINEURAL HEARING LOSS, AUTOSOMAL DOMINANT. Identifiers: Orphanet 217622, MedGen C1854368, MONDO:0011541, OMIM 605362.

Allele frequency attached by ClinVar (database versions not stated): gnomAD exomes below 0.00001; TOPMed below 0.00001; gnomAD 0.00001.
gnomAD v4.1: 2 of 1,603,070 alleles (0.00012%); highest among the groups gnomAD compares: East Asian, 0.0022%; no homozygotes.

Submission:

Labcorp Genetics (formerly Invitae), Labcorp
Classification: Uncertain significance for Dilated cardiomyopathy 1J. Last evaluated: 2020-05-05. Review status: criteria provided, single submitter. Criteria: Invitae Variant Classification Sherloc (09022015). Collection method: clinical testing. Allele origin: germline.
Comment: This variant is not present in population databases (ExAC no frequency). This sequence change replaces methionine with threonine at codon 93 of the EYA4 protein (p.Met93Thr). The methionine residue is weakly conserved and there is a moderate physicochemical difference between methionine and threonine. This variant has not been reported in the literature in individuals with EYA4-related conditions. In summary, the available evidence is currently insufficient to determine the role of this variant in disease. Therefore, it has been classified as a Variant of Uncertain Significance. Algorithms developed to predict the effect of missense changes on protein structure and function (SIFT, PolyPhen-2, Align-GVGD) all suggest that this variant is likely to be tolerated, but these predictions have not been confirmed by published functional studies and their clinical significance is uncertain.

NM_004100.5(EYA4):c.278T>C (p.Met93Thr)

Genes: EYA4-AS2 (EYA4 antisense RNA 2; minus strand), EYA4 (EYA transcriptional coactivator and phosphatase 4; plus strand). Cytogenetic location: 6q23.2.
Variant type: single nucleotide variant.
Coding change: c.278T>C on transcript NM_004100.5 (MANE Select); coding-DNA position 278, T replaced by C.
Protein change: p.Met93Thr; replaces methionine 93 with threonine.
Molecular consequence: missense variant. On other transcripts: intron variant (2).
Genome position (GRCh38, 1-based): chr6:133,456,556, T>C. VCF-style: chr6-133456556-T-C. GRCh37 (hg19) VCF-style: chr6-133777694-T-C.
Other names: c.278T>C, p.Met93Thr (NM_001301013.2, NM_172105.4); c.209T>C, p.Val70Ala (NM_001370458.1, NM_172103.4); c.209-4558T>C (NM_001370459.1, NM_001301012.2); short protein forms V70A, M93T.
Identifiers: ClinVar variation 951926 (VCV000951926.9), dbSNP rs1344229695, ClinGen allele CA365694252.